The following is an entry in ClinVar:

NM_001083926.2(ASRGL1):c.479C>G (p.Thr160Arg)

Gene: ASRGL1 (asparaginase and isoaspartyl peptidase 1; plus strand). Cytogenetic location: 11q12.3.
Variant type: single nucleotide variant.
Coding change: c.479C>G on transcript NM_001083926.2 (MANE Select); coding-DNA position 479, C replaced by G.
Protein change: p.Thr160Arg; replaces threonine 160 with arginine.
Molecular consequence: missense variant.
Genome position (GRCh38, 1-based): chr11:62,357,132, C>G. VCF-style: chr11-62357132-C-G. GRCh37 (hg19) VCF-style: chr11-62124604-C-G.
Other names: c.479C>G, p.Thr160Arg (NM_025080.4); short protein forms T160R.
Identifiers: ClinVar variation 1442162 (VCV001442162.8), dbSNP rs2134608866, ClinGen allele CA380866258.

ClinVar aggregate classification (germline): Uncertain significance (1 of 4 stars; one submission).

Submission:

Labcorp Genetics (formerly Invitae), Labcorp
Classification: Uncertain significance. Last evaluated: 2024-02-24. Review status: criteria provided, single submitter. Criteria: Invitae Variant Classification Sherloc (09022015). Collection method: clinical testing. Allele origin: germline.
Comment: This sequence change replaces threonine, which is neutral and polar, with arginine, which is basic and polar, at codon 160 of the ASRGL1 protein (p.Thr160Arg). This variant is not present in population databases (gnomAD no frequency). This variant has not been reported in the literature in individuals affected with ASRGL1-related conditions. ClinVar contains an entry for this variant (Variation ID: 1442162). An algorithm developed to predict the effect of missense changes on protein structure and function (PolyPhen-2) suggests that this variant is likely to be tolerated. In summary, the available evidence is currently insufficient to determine the role of this variant in disease. Therefore, it has been classified as a Variant of Uncertain Significance.